The following is an entry in ClinVar:

NM_000163.5(GHR):c.724G>A (p.Glu242Lys)

Gene: GHR (growth hormone receptor; plus strand). Cytogenetic location: 5p12.
Variant type: single nucleotide variant.
Coding change: c.724G>A on transcript NM_000163.5 (MANE Select); coding-DNA position 724, G replaced by A.
Protein change: p.Glu242Lys; replaces glutamic acid 242 with lysine.
Molecular consequence: missense variant.
Genome position (GRCh38, 1-based): chr5:42,711,312, G>A. VCF-style: chr5-42711312-G-A. GRCh37 (hg19) VCF-style: chr5-42711414-G-A.
Other names: c.745G>A, p.Glu249Lys (NM_001242399.2); c.724G>A, p.Glu242Lys (NM_001242400.2, NM_001242401.4, NM_001242402.2 and 5 more transcripts); c.658G>A, p.Glu220Lys (NM_001242460.2); short protein forms E220K, E242K, E249K.
Identifiers: ClinVar variation 907708 (VCV000907708.8), dbSNP rs121909364, ClinGen allele CA3254478.

ClinVar aggregate classification (germline): Uncertain significance. Review status: criteria provided, multiple submitters, no conflicts (2 of 4 stars). 3 submissions from 3 submitters: Uncertain significance (3). Last evaluated 2026-04-28.

Conditions:
Laron-type isolated somatotropin defect. Also called: GROWTH HORMONE RECEPTOR DEFICIENCY; Laron Syndrome; Growth hormone binding protein deficiency or dysfunction; Growth hormone receptor deficiency or dysfunction; Laron dwarfism; Laron type pituitary dwarfism I. Identifiers: Orphanet 633, MedGen C0271568, MONDO:0009877, OMIM 262500.

Allele frequency attached by ClinVar (database versions not stated): gnomAD exomes 0.00005 and 0.00006; ExAC 0.00006; gnomAD 0.00013 and 0.00014; TOPMed 0.00017.
gnomAD v4.1: 106 of 1,612,960 alleles (0.0066%); highest among the groups gnomAD compares: African/African-American, 0.04%; no homozygotes.

Submissions (3):

Women's Health and Genetics/Laboratory Corporation of America, LabCorp
Classification: Uncertain significance. Last evaluated: 2026-04-28. Review status: criteria provided, single submitter. Criteria: LabCorp Variant Classification Summary - May 2015. Collection method: clinical testing. Allele origin: germline.
Comment: Variant summary: GHR c.724G>A (p.Glu242Lys) results in a conservative amino acid change in the encoded protein sequence. Algorithms developed to predict the effect of missense changes on protein structure and function are either unavailable or do not agree on the potential impact of this missense change. The variant allele was found at a frequency of 4.8e-05 in 251370 control chromosomes. This frequency is not significantly higher than estimated for disease-causing variants in GHR, allowing no conclusion about variant significance. To our knowledge, no occurrence of c.724G>A in individuals affected with GHR-related conditions and no experimental evidence demonstrating its impact on protein function have been reported. ClinVar contains an entry for this variant (Variation ID: 907708). Based on the evidence outlined above, the variant was classified as uncertain significance.

Labcorp Genetics (formerly Invitae), Labcorp
Classification: Uncertain significance. Last evaluated: 2024-08-12. Review status: criteria provided, single submitter. Criteria: Invitae Variant Classification Sherloc (09022015). Collection method: clinical testing. Allele origin: germline.
Comment: This sequence change replaces glutamic acid, which is acidic and polar, with lysine, which is basic and polar, at codon 242 of the GHR protein (p.Glu242Lys). This variant is present in population databases (rs121909364, gnomAD 0.05%). This variant has not been reported in the literature in individuals affected with GHR-related conditions. ClinVar contains an entry for this variant (Variation ID: 907708). Advanced modeling of protein sequence and biophysical properties (such as structural, functional, and spatial information, amino acid conservation, physicochemical variation, residue mobility, and thermodynamic stability) performed at Invitae indicates that this missense variant is not expected to disrupt GHR protein function with a negative predictive value of 80%. In summary, the available evidence is currently insufficient to determine the role of this variant in disease. Therefore, it has been classified as a Variant of Uncertain Significance.

Illumina Laboratory Services, Illumina
Classification: Uncertain significance for Laron-type isolated somatotropin defect. Last evaluated: 2017-04-27. Review status: criteria provided, single submitter. Criteria: ICSL Variant Classification Criteria 13 December 2019. Collection method: clinical testing. Allele origin: germline.
Comment: This variant was observed as part of a predisposition screen in an ostensibly healthy population. A literature search was performed for the gene, cDNA change, and amino acid change (where applicable). Publications were found based on this search. However, the evidence from the literature, in combination with allele frequency data from public databases where available, was not sufficient to rule this variant in or out of causing disease. Therefore, this variant is classified as a variant of unknown significance.

Literature cited by the submitters: PubMed 9360529 (cited by Illumina Laboratory Services, Illumina); PubMed 11785980 (cited by Illumina Laboratory Services, Illumina).